The following is an entry in ClinVar:

ClinVar aggregate classification (germline): Uncertain significance (1 of 4 stars; one submission).

Conditions:
PKD1-related disorder. Also called: PKD1-related condition.

Submission:

PreventionGenetics, part of Exact Sciences
Classification: Uncertain significance for PKD1-related condition. Last evaluated: 2026-01-03. Review status: criteria provided, single submitter. Criteria: ACMG Guidelines, 2015. Collection method: clinical testing. Allele origin: germline.
Comment: The PKD1 c.7588G>T variant is predicted to result in the amino acid substitution p.Gly2530Cys. To our knowledge, this variant has not been reported in the literature or in a large population database (gnomAD), indicating this variant is rare. The REVEL (rare exome variant ensemble learner) program predicts this variant is pathogenic at a "moderate" level (Ioannidis et al. 2016. PubMed ID: 27666373; Bergquist et al. 2024. PubMed ID: 39345488). Of note, a different substitution at the same codon, defined as c.7589G>A (p.Gly2530Asp), has been reported to be causative for autosomal dominant polycystic kidney disease (ADPKD) (Rossetti et al. 2012. PubMed ID: 22383692; He et al. 2018. PubMed ID: 30333007; Table S1, Kimura et al. 2023. PubMed ID: 37509056; PreventionGenetics, internal data). Although we suspect that the c.7588G>T (p.Gly2530Cys) variant is pathogenic, at this time, the clinical significance of this variant is uncertain due to the absence of conclusive functional and genetic evidence.

NM_001009944.3(PKD1):c.7588G>T (p.Gly2530Cys)

Gene: PKD1 (polycystin 1, transient receptor potential channel interacting; minus strand). Cytogenetic location: 16p13.3.
Variant type: single nucleotide variant.
Coding change: c.7588G>T on transcript NM_001009944.3 (MANE Select); coding-DNA position 7588, G replaced by T.
Protein change: p.Gly2530Cys; replaces glycine 2530 with cysteine.
Molecular consequence: missense variant.
Genome position (GRCh38, 1-based): chr16:2,106,206, C>A on the plus strand (G>T on the coding strand, the complement: PKD1 is on the minus strand). VCF-style: chr16-2106206-C-A. GRCh37 (hg19) VCF-style: chr16-2156207-C-A.
Other names: c.7588G>T, p.Gly2530Cys (NM_000296.4); short protein forms G2530C.
Identifiers: ClinVar variation 4994537 (VCV004994537.1).
Genomic context (GRCh38, chr16:2,106,206, plus strand): 5'-CCACCTCGAAGTGTGGCCTGAAACCCGGGGGCAGCACGGCTCCGTAGCTGGAGAGGCTGC[C>A]CTTGTAGACACAGAACTCCTCGCAGTGGCCCTGGCGACAGCGCCGCAGCAGCAGGGCGTA-3'
Protein context (NP_001009944.3, residues 2520-2540): GHCEEFCVYK[Gly2530Cys]SLSSYGAVLP